The following is an entry in ClinVar:

ClinVar aggregate classification (germline): Likely pathogenic (1 of 4 stars; one submission).

Allele frequency attached by ClinVar (database versions not stated): 1000 Genomes Project 0.00020; 1000 Genomes Project 30x 0.00016; gnomAD 0.00001; gnomAD exomes 0.00001; TOPMed 0.00001.
gnomAD v4.1: 21 of 1,559,720 alleles (0.0013%); highest among the groups gnomAD compares: East Asian, 0.0024%; no homozygotes.

Submission:

Labcorp Genetics (formerly Invitae), Labcorp
Classification: Likely pathogenic. Last evaluated: 2025-12-01. Review status: criteria provided, single submitter. Criteria: Invitae Variant Classification Sherloc (09022015). Collection method: clinical testing. Allele origin: germline.
Comment: This sequence change replaces alanine, which is neutral and non-polar, with valine, which is neutral and non-polar, at codon 300 of the CLCN7 protein (p.Ala300Val). This variant is present in population databases (rs199613161, gnomAD 0.001%). This missense change has been observed in individual(s) with autosomal recessive osteopetrosis (PMID: 37704070). It has also been observed to segregate with disease in related individuals. ClinVar contains an entry for this variant (Variation ID: 1954490). Invitae Evidence Modeling of protein sequence and biophysical properties (such as structural, functional, and spatial information, amino acid conservation, physicochemical variation, residue mobility, and thermodynamic stability) indicates that this missense variant is expected to disrupt CLCN7 protein function with a positive predictive value of 95%. In summary, the currently available evidence indicates that the variant is pathogenic, but additional data are needed to prove that conclusively. Therefore, this variant has been classified as Likely Pathogenic.

Literature cited by the submitters: PubMed 37704070.

NM_001287.6(CLCN7):c.899C>T (p.Ala300Val)

Gene: CLCN7 (Cl-/H+ antiporter 7; minus strand). Cytogenetic location: 16p13.3.
Variant type: single nucleotide variant.
Coding change: c.899C>T on transcript NM_001287.6 (MANE Select); coding-DNA position 899, C replaced by T.
Protein change: p.Ala300Val; replaces alanine 300 with valine.
Molecular consequence: missense variant.
Genome position (GRCh38, 1-based): chr16:1,456,130, G>A on the plus strand (C>T on the coding strand, the complement: CLCN7 is on the minus strand). VCF-style: chr16-1456130-G-A. GRCh37 (hg19) VCF-style: chr16-1506131-G-A.
Other names: c.827C>T, p.Ala276Val (NM_001114331.3); short protein forms A276V, A300V.
Identifiers: ClinVar variation 1954490 (VCV001954490.5), dbSNP rs199613161, ClinGen allele CA276677945.